The following is an entry in ClinVar:

ClinVar aggregate classification (germline): Pathogenic/Likely pathogenic. Review status: criteria provided, multiple submitters, no conflicts (2 of 4 stars). 3 submissions from 3 submitters: Pathogenic (1); Likely pathogenic (2). Last evaluated 2024-09-19.

Conditions:
Autosomal recessive nonsyndromic hearing loss 23. Identifiers: Orphanet 90636, MedGen C1836027, MONDO:0012293, OMIM 609533.
Usher syndrome type 1D (USH1D). Also called: USHER SYNDROME, TYPE ID. Identifiers: Orphanet 231169, Orphanet 886, MedGen C1832845, MONDO:0010984, OMIM 601067.
Usher syndrome type 1F (USH1F). Also called: USHER SYNDROME, TYPE IF. Identifiers: Orphanet 231169, Orphanet 886, MedGen C1865885, MONDO:0011186, OMIM 602083.

Allele frequency attached by ClinVar (database versions not stated): gnomAD exomes below 0.00001.
gnomAD v4.1: 1 of 1,613,624 alleles (0.000062%); highest among the groups gnomAD compares: South Asian, 0.0011%; no homozygotes.

Submissions (3):

Natera, Inc.
Classification: Likely pathogenic for Usher syndrome type 1F. Last evaluated: 2024-09-19. Review status: criteria provided, single submitter. Criteria: Natera Variant Classification Schema (03/2026). Collection method: clinical testing. Allele origin: germline.
Comment: The c.1399C>T variant in PCDH15 is a nonsense variant predicted to introduce a stop codon at amino acid 467. This variant is expected to result in nonsense mediated decay, truncation, or a dysfunctional protein product. This variant is rare in the general population with a frequency below the threshold expected for the associated phenotype(s). Given the available evidence, this variant is classified as Likely Pathogenic.

Fulgent Genetics
Classification: Likely pathogenic for Usher syndrome type 1D; Usher syndrome type 1F; Autosomal recessive nonsyndromic hearing loss 23. Last evaluated: 2021-11-09. Review status: criteria provided, single submitter. Criteria: ACMG Guidelines, 2015. Collection method: clinical testing. Allele origin: unknown.

Labcorp Genetics (formerly Invitae), Labcorp
Classification: Pathogenic. Last evaluated: 2021-08-14. Review status: criteria provided, single submitter. Criteria: Invitae Variant Classification Sherloc (09022015). Collection method: clinical testing. Allele origin: germline.
Comment: This sequence change creates a premature translational stop signal (p.Gln467*) in the PCDH15 gene. It is expected to result in an absent or disrupted protein product. Loss-of-function variants in PCDH15 are known to be pathogenic (PMID: 11398101, 11487575, 14570705). For these reasons, this variant has been classified as Pathogenic. This variant has not been reported in the literature in individuals affected with PCDH15-related conditions. This variant is not present in population databases (ExAC no frequency).

Literature cited by the submitters: PubMed 11398101 (cited by Labcorp Genetics (formerly Invitae), Labcorp); PubMed 11487575 (cited by Labcorp Genetics (formerly Invitae), Labcorp); PubMed 14570705 (cited by Labcorp Genetics (formerly Invitae), Labcorp).

NM_001384140.1(PCDH15):c.1399C>T (p.Gln467Ter)

Gene: PCDH15 (protocadherin related 15; minus strand). Cytogenetic location: 10q21.1.
Variant type: single nucleotide variant.
Coding change: c.1399C>T on transcript NM_001384140.1 (MANE Select); coding-DNA position 1399, C replaced by T.
Protein change: p.Gln467Ter; replaces glutamine 467 with a stop codon.
Molecular consequence: nonsense.
Genome position (GRCh38, 1-based): chr10:54,185,175, G>A on the plus strand (C>T on the coding strand, the complement: PCDH15 is on the minus strand). VCF-style: chr10-54185175-G-A. GRCh37 (hg19) VCF-style: chr10-55944935-G-A.
Other names: c.1399C>T (NM_033056.3); c.1414C>T, p.Gln472Ter (NM_001142763.2, NM_001142771.2); c.1399C>T, p.Gln467Ter (NM_001142764.2, NM_001142765.2, NM_001142766.2 and 6 more transcripts); c.1288C>T, p.Gln430Ter (NM_001142767.2); c.1333C>T, p.Gln445Ter (NM_001142768.2, NM_001142773.2, NM_001354404.2); c.1435C>T, p.Gln479Ter (NM_001142769.4); c.1420C>T, p.Gln474Ter (NM_001354411.2); short protein forms Q467*, Q430*, Q479*, Q445*, Q472*, Q474*.
Identifiers: ClinVar variation 1459364 (VCV001459364.8), dbSNP rs2133817680, ClinGen allele CA376515255.
Genomic context (GRCh38, chr10:54,185,175, plus strand): 5'-TTACACAAAAGCTCTTTACCGAAAAGGTGTAAGTTTGCTGTTCTTCCCTGTCCACTGGTT[G>A]AAGTAAGGTGAGGTAGCGAGTAATACCAGTCTGTGTGACGGTGAAGACTGAGGTGTAGTC-3'